The following is an entry in ClinVar:

ClinVar aggregate classification (germline): Benign/Likely benign. Review status: criteria provided, multiple submitters, no conflicts (2 of 4 stars). 2 submissions from 2 submitters: Benign (1); Likely benign (1). Last evaluated 2026-09-14.

Conditions:
Colorectal cancer, hereditary nonpolyposis, type 7. Identifiers: Orphanet 144, MedGen C1858380, MONDO:0013725, OMIM 614385.

Submissions (2):

Myriad Genetics, Inc.
Classification: Benign for Colorectal cancer, hereditary nonpolyposis, type 7. Last evaluated: 2026-09-14. Review status: criteria provided, single submitter. Criteria: Myriad Autosomal Dominant, Autosomal Recessive and X-Linked Classification Criteria (2023). Collection method: clinical testing. Allele origin: unknown.
Comment: This variant is considered benign. This variant is a silent/synonymous amino acid change and it is not expected to impact splicing.

Ambry Genetics
Classification: Likely benign. Last evaluated: 2021-06-02. Review status: criteria provided, single submitter. Criteria: Ambry Variant Classification Scheme 2023. Collection method: clinical testing. Allele origin: germline.

NM_001040108.2(MLH3):c.2700A>C (p.Pro900=)

Gene: MLH3 (mutL homolog 3; minus strand). Cytogenetic location: 14q24.3.
Variant type: single nucleotide variant.
Coding change: c.2700A>C on transcript NM_001040108.2 (MANE Select); coding-DNA position 2700, A replaced by C.
Protein change: p.Pro900=; no amino-acid change (proline 900 retained).
Molecular consequence: synonymous variant.
Genome position (GRCh38, 1-based): chr14:75,046,956, T>G on the plus strand (A>C on the coding strand, the complement: MLH3 is on the minus strand). VCF-style: chr14-75046956-T-G. GRCh37 (hg19) VCF-style: chr14-75513659-T-G.
Other names: c.2700A>C, p.Pro900= (NM_014381.3).
Identifiers: ClinVar variation 1794922 (VCV001794922.3), dbSNP rs2503263269, ClinGen allele CA487273130.